The following is an entry in ClinVar:

ClinVar aggregate classification (germline): Uncertain significance. Review status: criteria provided, multiple submitters, no conflicts (2 of 4 stars). 2 submissions from 2 submitters: Uncertain significance (2). Last evaluated 2025-10-10.

Conditions:
Congenital disorder of glycosylation type Ir (CDG1R). Also called: DDOST-congenital disorder of glycosylation. Identifiers: Orphanet 300536, MedGen C3281084, MONDO:0013789, OMIM 614507.

Allele frequency attached by ClinVar (database versions not stated): ExAC 0.00007; gnomAD exomes 0.00011; ESP Exome Variant Server 0.00015; TOPMed 0.00020; gnomAD 0.00024 and 0.00026.

Submissions (2):

Labcorp Genetics (formerly Invitae), Labcorp
Classification: Uncertain significance for Congenital disorder of glycosylation type Ir. Last evaluated: 2025-10-10. Review status: criteria provided, single submitter. Criteria: Invitae Variant Classification Sherloc (09022015). Collection method: clinical testing. Allele origin: germline.
Comment: This sequence change replaces valine, which is neutral and non-polar, with alanine, which is neutral and non-polar, at codon 187 of the DDOST protein (p.Val187Ala). This variant is present in population databases (rs146767054, gnomAD 0.03%). This variant has not been reported in the literature in individuals affected with DDOST-related conditions. ClinVar contains an entry for this variant (Variation ID: 1367117). Invitae Evidence Modeling of protein sequence and biophysical properties (such as structural, functional, and spatial information, amino acid conservation, physicochemical variation, residue mobility, and thermodynamic stability) indicates that this missense variant is not expected to disrupt DDOST protein function with a negative predictive value of 80%. In summary, the available evidence is currently insufficient to determine the role of this variant in disease. Therefore, it has been classified as a Variant of Uncertain Significance.

Ambry Genetics
Classification: Uncertain significance. Last evaluated: 2023-08-10. Review status: criteria provided, single submitter. Criteria: Ambry Variant Classification Scheme 2023. Collection method: clinical testing. Allele origin: germline.

NM_005216.5(DDOST):c.509T>C (p.Val170Ala)

Gene: DDOST (dolichyl-diphosphooligosaccharide--protein glycosyltransferase non-catalytic subunit; minus strand). Cytogenetic location: 1p36.12.
Variant type: single nucleotide variant.
Coding change: c.509T>C on transcript NM_005216.5 (MANE Select); coding-DNA position 509, T replaced by C.
Protein change: p.Val170Ala; replaces valine 170 with alanine.
Molecular consequence: missense variant.
Genome position (GRCh38, 1-based): chr1:20,655,482, A>G on the plus strand (T>C on the coding strand, the complement: DDOST is on the minus strand). VCF-style: chr1-20655482-A-G. GRCh37 (hg19) VCF-style: chr1-20981975-A-G.
Other names: c.560T>C (NM_005216.4); short protein forms V170A.
Identifiers: ClinVar variation 1367117 (VCV001367117.8), dbSNP rs146767054, ClinGen allele CA661211.